The following is an entry in ClinVar:

NM_005236.3(ERCC4):c.2114A>T (p.Asp705Val)

Gene: ERCC4 (ERCC excision repair 4, endonuclease catalytic subunit; plus strand). Cytogenetic location: 16p13.12.
Variant type: single nucleotide variant.
Coding change: c.2114A>T on transcript NM_005236.3 (MANE Select); coding-DNA position 2114, A replaced by T.
Protein change: p.Asp705Val; replaces aspartic acid 705 with valine.
Molecular consequence: missense variant.
Genome position (GRCh38, 1-based): chr16:13,947,710, A>T. VCF-style: chr16-13947710-A-T. GRCh37 (hg19) VCF-style: chr16-14041567-A-T.
Other names: short protein forms D705V.
Identifiers: ClinVar variation 835496 (VCV000835496.9), dbSNP rs2032542117, ClinGen allele CA394821863.

ClinVar aggregate classification (germline): Uncertain significance (1 of 4 stars; one submission).

Conditions:
Cockayne syndrome. Identifiers: Orphanet 191, MedGen C0009207, MONDO:0016006.
Fanconi anemia complementation group Q. Identifiers: Orphanet 84, MedGen C3808988, MONDO:0014108, OMIM 615272.
Xeroderma pigmentosum, group F (XPF). Also called: XERODERMA PIGMENTOSUM, COMPLEMENTATION GROUP F; XERODERMA PIGMENTOSUM VI; XP, GROUP F; ERCC4-Related Xeroderma Pigmentosum; XERODERMA PIGMENTOSUM, TYPE F; Xeroderma pigmentosum, type 6. Identifiers: MedGen C0268140, MONDO:0010215, OMIM 278760.

Submission:

Labcorp Genetics (formerly Invitae), Labcorp
Classification: Uncertain significance for Fanconi anemia complementation group Q; Xeroderma pigmentosum, group F; Cockayne syndrome. Last evaluated: 2019-11-26. Review status: criteria provided, single submitter. Criteria: Invitae Variant Classification Sherloc (09022015). Collection method: clinical testing. Allele origin: germline.
Comment: In summary, the available evidence is currently insufficient to determine the role of this variant in disease. Therefore, it has been classified as a Variant of Uncertain Significance. Algorithms developed to predict the effect of missense changes on protein structure and function are either unavailable or do not agree on the potential impact of this missense change (SIFT: "Deleterious"; PolyPhen-2: "Probably Damaging"; Align-GVGD: "Class C15"). This variant has not been reported in the literature in individuals with ERCC4-related conditions. This variant is not present in population databases (ExAC no frequency). This sequence change replaces aspartic acid with valine at codon 705 of the ERCC4 protein (p.Asp705Val). The aspartic acid residue is moderately conserved and there is a large physicochemical difference between aspartic acid and valine.